The following is an entry in ClinVar:

NM_016203.4(PRKAG2):c.356G>A (p.Arg119Gln)

Gene: PRKAG2 (protein kinase AMP-activated non-catalytic subunit gamma 2; minus strand). Cytogenetic location: 7q36.1.
Variant type: single nucleotide variant.
Coding change: c.356G>A on transcript NM_016203.4 (MANE Select); coding-DNA position 356, G replaced by A.
Protein change: p.Arg119Gln; replaces arginine 119 with glutamine.
Molecular consequence: missense variant.
Genome position (GRCh38, 1-based): chr7:151,781,262, C>T on the plus strand (G>A on the coding strand, the complement: PRKAG2 is on the minus strand). VCF-style: chr7-151781262-C-T. GRCh37 (hg19) VCF-style: chr7-151478348-C-T.
Other names: p.R119Q:CGA>CAA; c.224G>A, p.Arg75Gln (NM_001040633.2); short protein forms R119Q, R75Q.
Identifiers: ClinVar variation 45716 (VCV000045716.43), dbSNP rs142808871, ClinGen allele CA014170.

ClinVar aggregate classification (germline): Conflicting classifications of pathogenicity. Review status: criteria provided, conflicting classifications (1 of 4 stars). 9 submissions from 9 submitters: Uncertain significance (8); Likely benign (1). Last evaluated 2025-12-23.

Conditions:
Cardiovascular phenotype. Identifiers: MedGen CN230736.
Cardiomyopathy (CMYO). Also called: Cardiomyopathies. Identifiers: Orphanet 167848, MedGen C0878544, MONDO:0004994, HP:0001638. Inheritance: Various modes of inheritance.
Lethal congenital glycogen storage disease of heart. Also called: PHOSPHORYLASE KINASE DEFICIENCY OF HEART; GLYCOGEN STORAGE DISEASE OF HEART. Identifiers: Orphanet 439854, MedGen C1849813, MONDO:0009867, OMIM 261740.
Hypertrophic cardiomyopathy. Also called: HYPERTROPHIC MYOCARDIOPATHY. Identifiers: Orphanet 217569, MedGen C0007194, MeSH D002312, MONDO:0005045, HP:0001639.

Allele frequency attached by ClinVar (database versions not stated): gnomAD 0.00003 and 0.00002; ESP Exome Variant Server 0.00008; 1000 Genomes Project 30x 0.00031; gnomAD exomes 0.00009 and 0.00002; TOPMed 0.00002; ExAC 0.00012; 1000 Genomes Project 0.00020.
gnomAD v4.1: 35 of 1,614,004 alleles (0.0022%); highest among the groups gnomAD compares: Middle Eastern, 0.033%; no homozygotes.

Submissions (9):

Labcorp Genetics (formerly Invitae), Labcorp
Classification: Likely benign for Lethal congenital glycogen storage disease of heart. Last evaluated: 2025-12-23. Review status: criteria provided, single submitter. Criteria: Invitae Variant Classification Sherloc (09022015). Collection method: clinical testing. Allele origin: germline.

GeneDx
Classification: Uncertain significance. Last evaluated: 2025-11-03. Review status: criteria provided, single submitter. Criteria: GeneDx Variant Classification Process June 2021. Collection method: clinical testing. Allele origin: germline. Affected: yes.
Comment: Has not been previously published as pathogenic or benign to our knowledge; In silico analysis suggests that this missense variant does not alter protein structure/function; This variant is associated with the following publications: (PMID: 27149842, 26934580, 28569743)

All of Us Research Program, National Institutes of Health
Classification: Uncertain significance for Hypertrophic cardiomyopathy. Last evaluated: 2023-08-28. Review status: criteria provided, single submitter. Criteria: ACMG Guidelines, 2015. Collection method: clinical testing. Allele origin: germline. Inheritance: Autosomal dominant inheritance. Observed: 2 variant alleles, 2 heterozygotes.
Comment: This missense variant replaces arginine with glutamine at codon 119 of the PRKAG2 protein. Computational prediction suggests that this variant may not impact protein structure and function (internally defined REVEL score threshold <= 0.5, PMID: 27666373). To our knowledge, functional studies have not been reported for this variant. This variant has not been reported in individuals affected with cardiovascular disorders in the literature. This variant has been identified in 22/251234 chromosomes in the general population by the Genome Aggregation Database (gnomAD). The available evidence is insufficient to determine the role of this variant in disease conclusively. Therefore, this variant is classified as a Variant of Uncertain Significance.

This study involves interpretation of variants in research participants for the purpose of population health screening. Participant phenotype was not available at the time of variant classification. Additional details can be found in publication PMID: 35346344, PMCID: PMC8962531

Color Diagnostics, LLC DBA Color Health
Classification: Uncertain significance for Cardiomyopathy. Last evaluated: 2023-03-29. Review status: criteria provided, single submitter. Criteria: ACMG Guidelines, 2015. Collection method: clinical testing. Allele origin: germline.
Comment: This missense variant replaces arginine with glutamine at codon 119 of the PRKAG2 protein. Computational prediction suggests that this variant may not impact protein structure and function (internally defined REVEL score threshold <= 0.5, PMID: 27666373). To our knowledge, functional studies have not been reported for this variant. This variant has been reported in an individual affected with hypertrophic cardiomyopathy (PMID: 35026164). This variant has been identified in 22/251234 chromosomes in the general population by the Genome Aggregation Database (gnomAD). The available evidence is insufficient to determine the role of this variant in disease conclusively. Therefore, this variant is classified as a Variant of Uncertain Significance.

Mayo Clinic Laboratories, Mayo Clinic
Classification: Uncertain significance. Last evaluated: 2019-12-13. Review status: criteria provided, single submitter. Criteria: ACMG Guidelines, 2015. Collection method: clinical testing. Allele origin: germline. Observed: 1 variant allele.

Revvity Omics, Revvity
Classification: Uncertain significance. Last evaluated: 2019-05-01. Review status: criteria provided, single submitter. Criteria: ACMG Guidelines, 2015. Collection method: clinical testing. Allele origin: germline.

Ambry Genetics
Classification: Uncertain significance for Cardiovascular phenotype. Last evaluated: 2016-02-09. Review status: criteria provided, single submitter. Criteria: Ambry Variant Classification Scheme 2023. Collection method: clinical testing. Allele origin: germline.

Stanford Center for Inherited Cardiovascular Disease, Stanford University
Classification: Uncertain significance. Last evaluated: 2012-10-04. Review status: criteria provided, single submitter. Criteria: ACMG Guidelines, 2015. Collection method: provider interpretation. Allele origin: germline.

Laboratory for Molecular Medicine, Mass General Brigham Personalized Medicine
Classification: Uncertain significance. Last evaluated: 2010-05-11. Review status: criteria provided, single submitter. Criteria: LMM Criteria. Collection method: clinical testing. Allele origin: germline. Observed: 1 variant allele.
Comment: Variant classified as Uncertain Significance - Favor Benign.

Literature cited by the submitters: PubMed 35026164 (cited by Color Diagnostics, LLC DBA Color Health).